The following is an entry in ClinVar:

NM_024514.5(CYP2R1):c.688A>G (p.Asn230Asp)

Genes: CYP2R1 (cytochrome P450 family 2 subfamily R member 1; minus strand), PDE3B (phosphodiesterase 3B; plus strand). Cytogenetic location: 11p15.2.
Variant type: single nucleotide variant.
Coding change: c.688A>G on transcript NM_024514.5 (MANE Select); coding-DNA position 688, A replaced by G.
Protein change: p.Asn230Asp; replaces asparagine 230 with aspartic acid.
Molecular consequence: missense variant. On other transcripts: non-coding transcript variant (6), intron variant (7).
Genome position (GRCh38, 1-based): chr11:14,880,448, T>C on the plus strand (A>G on the coding strand, the complement: CYP2R1 is on the minus strand). VCF-style: chr11-14880448-T-C. GRCh37 (hg19) VCF-style: chr11-14901994-T-C.
Other names: c.343A>G, p.Asn115Asp (NM_001400558.1, NM_001400559.1, NM_001400560.1 and 5 more transcripts); c.544A>G, p.Asn182Asp (NM_001400567.1); c.643A>G, p.Asn215Asp (NM_001400568.1); c.526A>G, p.Asn176Asp (NM_001377217.1); c.2887-18497T>C (NM_001429700.1); c.2887-18508T>C (NM_001429699.1); c.23-1005A>G (NM_001400566.1); c.78-89A>G (NM_001400562.1, NM_001400564.1, NM_001400565.1 and 1 more transcripts); short protein forms N115D, N176D, N182D, N215D, N230D.
Identifiers: ClinVar variation 4526858 (VCV004526858.1).
Genomic context (GRCh38, chr11:14,880,448, plus strand): 5'-CATTTCTAAACAGCTGTTGATGTTTTCCAAAAGGCAGGATGCCAATCCATGGAAAGGCAT[T>C]ATACAAGAAGACTGAGGCACTGGCAGCTAGTTCCACATTTTCACTAAATAACTCAATCAT-3'
Protein context (NP_078790.2, residues 220-240): LAASASVFLY[Asn230Asp]AFPWIGILPF

ClinVar aggregate classification (germline): Uncertain significance (1 of 4 stars; one submission).

Conditions:
Vitamin D hydroxylation-deficient rickets, type 1B. Also called: PSEUDOVITAMIN D3 DEFICIENCY RICKETS DUE TO 25-HYDROXYLASE DEFICIENCY; VITAMIN D-DEPENDENT RICKETS, TYPE 1B; Rickets due to Defect in Vitamin D 25-hydroxylation. Identifiers: Orphanet 289157, MedGen C1838657, MONDO:0010810, OMIM 600081.

Submission:

Rare Kidney Stone Consortium and the Mayo Clinic Hyperoxaluria Center, Mayo Clinic
Classification: Uncertain significance for Vitamin D hydroxylation-deficient rickets, type 1B. Last evaluated: 2025-10-03. Review status: criteria provided, single submitter. Criteria: ACMG Guidelines, 2015. Collection method: research. Allele origin: germline. Observed: 1 variant allele.
Comment: ACMG:PM2, PP2, PP3

Literature cited by the submitters: PubMed 40794449.